The following is an entry in ClinVar:

NM_152383.5(DIS3L2):c.2251G>A (p.Glu751Lys)

Gene: DIS3L2 (DIS3 like 3'-5' exoribonuclease 2; plus strand). Cytogenetic location: 2q37.1.
Variant type: single nucleotide variant.
Coding change: c.2251G>A on transcript NM_152383.5 (MANE Select); coding-DNA position 2251, G replaced by A.
Protein change: p.Glu751Lys; replaces glutamic acid 751 with lysine.
Molecular consequence: missense variant. On other transcripts: non-coding transcript variant (2), intron variant (1).
Genome position (GRCh38, 1-based): chr2:232,334,461, G>A. VCF-style: chr2-232334461-G-A. GRCh37 (hg19) VCF-style: chr2-233199171-G-A.
Other names: c.1582-8884G>A (NM_001257281.2); short protein forms E751K.
Identifiers: ClinVar variation 852547 (VCV000852547.9), dbSNP rs1433675419, ClinGen allele CA350977801.
Genomic context (GRCh38, chr2:232,334,461, plus strand): 5'-ACCCTGCAGAAACAGGCGGACCACTGTAACGACCGCCGCATGGCGTCCAAGCGCGTGCAG[G>A]AGCTCAGTACCAGTCTCTTCTTTGCTGTTCTGGTCAAGGTGAGCCCTCCAGCCTGGTGCC-3'
Protein context (NP_689596.4, residues 741-761): DRRMASKRVQ[Glu751Lys]LSTSLFFAVL

ClinVar aggregate classification (germline): Uncertain significance (1 of 4 stars; one submission).

Conditions:
Perlman syndrome (PRLMNS). Identifiers: Orphanet 2849, MedGen C0796113, MONDO:0009965, OMIM 267000.

Allele frequency attached by ClinVar (database versions not stated): gnomAD exomes below 0.00001.
gnomAD v4.1: 1 of 1,613,936 alleles (0.000062%); highest among the groups gnomAD compares: Admixed American, 0.0017%; no homozygotes.

Submission:

Labcorp Genetics (formerly Invitae), Labcorp
Classification: Uncertain significance for Perlman syndrome. Last evaluated: 2022-12-15. Review status: criteria provided, single submitter. Criteria: Invitae Variant Classification Sherloc (09022015). Collection method: clinical testing. Allele origin: germline.
Comment: This sequence change replaces glutamic acid, which is acidic and polar, with lysine, which is basic and polar, at codon 751 of the DIS3L2 protein (p.Glu751Lys). This variant is present in population databases (no rsID available, gnomAD 0.003%). This variant has not been reported in the literature in individuals affected with DIS3L2-related conditions. ClinVar contains an entry for this variant (Variation ID: 852547). Advanced modeling of protein sequence and biophysical properties (such as structural, functional, and spatial information, amino acid conservation, physicochemical variation, residue mobility, and thermodynamic stability) performed at Invitae indicates that this missense variant is not expected to disrupt DIS3L2 protein function. In summary, the available evidence is currently insufficient to determine the role of this variant in disease. Therefore, it has been classified as a Variant of Uncertain Significance.